The following is an entry in ClinVar:

ClinVar aggregate classification (germline): Uncertain significance (1 of 4 stars; one submission).

Conditions:
Borjeson-Forssman-Lehmann syndrome (BFLS). Also called: MENTAL RETARDATION, X-LINKED, SYNDROMIC, BORJESON-FORSSMAN-LEHMANN TYPE; MENTAL RETARDATION, EPILEPSY, AND ENDOCRINE DISORDERS; BORJESON SYNDROME. Identifiers: Orphanet 127, MedGen C0265339, MONDO:0010537, OMIM 301900.

Submission:

Labcorp Genetics (formerly Invitae), Labcorp
Classification: Uncertain significance for Borjeson-Forssman-Lehmann syndrome. Last evaluated: 2025-11-09. Review status: criteria provided, single submitter. Criteria: Invitae Variant Classification Sherloc (09022015). Collection method: clinical testing. Allele origin: germline.
Comment: This sequence change replaces serine, which is neutral and polar, with asparagine, which is neutral and polar, at codon 206 of the PHF6 protein (p.Ser206Asn). This variant is not present in population databases (gnomAD no frequency). This variant has not been reported in the literature in individuals affected with PHF6-related conditions. Invitae Evidence Modeling of protein sequence and biophysical properties (such as structural, functional, and spatial information, amino acid conservation, physicochemical variation, residue mobility, and thermodynamic stability) indicates that this missense variant is not expected to disrupt PHF6 protein function with a negative predictive value of 80%. In summary, the available evidence is currently insufficient to determine the role of this variant in disease. Therefore, it has been classified as a Variant of Uncertain Significance.

NM_001015877.2(PHF6):c.617G>A (p.Ser206Asn)

Gene: PHF6 (PHD finger protein 6; plus strand). Cytogenetic location: Xq26.2.
Variant type: single nucleotide variant.
Coding change: c.617G>A on transcript NM_001015877.2 (MANE Select); coding-DNA position 617, G replaced by A.
Protein change: p.Ser206Asn; replaces serine 206 with asparagine.
Molecular consequence: missense variant.
Genome position (GRCh38, 1-based): chrX:134,413,854, G>A. VCF-style: chrX-134413854-G-A. GRCh37 (hg19) VCF-style: chrX-133547884-G-A.
Other names: c.620G>A, p.Ser207Asn (NM_032335.3); c.617G>A, p.Ser206Asn (NM_032458.3); short protein forms S206N, S207N.
Identifiers: ClinVar variation 4754721 (VCV004754721.1).